The following is an entry in ClinVar:

ClinVar aggregate classification (germline): Uncertain significance (1 of 4 stars; one submission).

Conditions:
Autosomal recessive limb-girdle muscular dystrophy type 2P. Also called: Limb-Girdle Muscular Dystrophy Type 9C; MUSCULAR DYSTROPHY, LIMB-GIRDLE, TYPE 2P; MUSCULAR DYSTROPHY-DYSTROGLYCANOPATHY, LIMB-GIRDLE, DAG1-RELATED. Identifiers: Orphanet 280333, MedGen C4511963, MONDO:0013440, OMIM 613818.
Muscular dystrophy-dystroglycanopathy (congenital with brain and eye anomalies), type A9. Also called: Muscular dystrophy-dystroglycanopathy (congenital with brain and eye anomalies), type a, 9; WALKER-WARBURG SYNDROME OR MUSCLE-EYE BRAIN DISEASE, DAG1-RELATED. Identifiers: Orphanet 370997, Orphanet 899, MedGen C4225291, MONDO:0014683, OMIM 616538.

Allele frequency attached by ClinVar (database versions not stated): gnomAD exomes below 0.00001; ExAC 0.00001.

Submission:

Labcorp Genetics (formerly Invitae), Labcorp
Classification: Uncertain significance for Autosomal recessive limb-girdle muscular dystrophy type 2P; Muscular dystrophy-dystroglycanopathy (congenital with brain and eye anomalies), type A9. Last evaluated: 2022-06-24. Review status: criteria provided, single submitter. Criteria: Invitae Variant Classification Sherloc (09022015). Collection method: clinical testing. Allele origin: germline.
Comment: This sequence change replaces glutamic acid, which is acidic and polar, with lysine, which is basic and polar, at codon 59 of the DAG1 protein (p.Glu59Lys). This variant is present in population databases (rs767737417, gnomAD 0.003%). This variant has not been reported in the literature in individuals affected with DAG1-related conditions. Algorithms developed to predict the effect of missense changes on protein structure and function are either unavailable or do not agree on the potential impact of this missense change (SIFT: "Tolerated"; PolyPhen-2: "Possibly Damaging"; Align-GVGD: "Class C0"). In summary, the available evidence is currently insufficient to determine the role of this variant in disease. Therefore, it has been classified as a Variant of Uncertain Significance.

NM_004393.6(DAG1):c.175G>A (p.Glu59Lys)

Gene: DAG1 (dystroglycan 1; plus strand). Cytogenetic location: 3p21.31.
Variant type: single nucleotide variant.
Coding change: c.175G>A on transcript NM_004393.6 (MANE Select); coding-DNA position 175, G replaced by A.
Protein change: p.Glu59Lys; replaces glutamic acid 59 with lysine.
Molecular consequence: missense variant.
Genome position (GRCh38, 1-based): chr3:49,510,709, G>A. VCF-style: chr3-49510709-G-A. GRCh37 (hg19) VCF-style: chr3-49548142-G-A.
Other names: c.175G>A, p.Glu59Lys (NM_001165928.4, NM_001177634.3, NM_001177635.3 and 9 more transcripts); short protein forms E59K.
Identifiers: ClinVar variation 1431137 (VCV001431137.5), dbSNP rs767737417, ClinGen allele CA2398836.